The following is an entry in ClinVar:

ClinVar aggregate classification (germline): Uncertain significance. Review status: criteria provided, multiple submitters, no conflicts (2 of 4 stars). 2 submissions from 2 submitters: Uncertain significance (2). Last evaluated 2025-08-11.

Allele frequency attached by ClinVar (database versions not stated): gnomAD 0.00003 and 0.00004; TOPMed 0.00003; ExAC 0.00004; gnomAD exomes 0.00004 and 0.00008.
gnomAD v4.1: 113 of 1,611,238 alleles (0.007%); highest among the groups gnomAD compares: Non-Finnish European, 0.0093%; no homozygotes.

Submissions (2):

Labcorp Genetics (formerly Invitae), Labcorp
Classification: Uncertain significance. Last evaluated: 2025-08-11. Review status: criteria provided, single submitter. Criteria: Invitae Variant Classification Sherloc (09022015). Collection method: clinical testing. Allele origin: germline.
Comment: This sequence change replaces glutamic acid, which is acidic and polar, with glutamine, which is neutral and polar, at codon 876 of the TTLL5 protein (p.Glu876Gln). This variant is present in population databases (rs760860657, gnomAD 0.01%). This variant has not been reported in the literature in individuals affected with TTLL5-related conditions. ClinVar contains an entry for this variant (Variation ID: 1042713). Invitae Evidence Modeling of protein sequence and biophysical properties (such as structural, functional, and spatial information, amino acid conservation, physicochemical variation, residue mobility, and thermodynamic stability) indicates that this missense variant is not expected to disrupt TTLL5 protein function with a negative predictive value of 80%. In summary, the available evidence is currently insufficient to determine the role of this variant in disease. Therefore, it has been classified as a Variant of Uncertain Significance.

Blueprint Genetics
Classification: Uncertain significance. Last evaluated: 2022-06-16. Review status: criteria provided, single submitter. Criteria: ACMG Guidelines, 2015. Collection method: clinical testing. Allele origin: germline.

NM_015072.5(TTLL5):c.2626G>C (p.Glu876Gln)

Gene: TTLL5 (tubulin tyrosine ligase like 5; plus strand). Cytogenetic location: 14q24.3.
Variant type: single nucleotide variant.
Coding change: c.2626G>C on transcript NM_015072.5 (MANE Select); coding-DNA position 2626, G replaced by C.
Protein change: p.Glu876Gln; replaces glutamic acid 876 with glutamine.
Molecular consequence: missense variant.
Genome position (GRCh38, 1-based): chr14:75,783,170, G>C. VCF-style: chr14-75783170-G-C. GRCh37 (hg19) VCF-style: chr14-76249513-G-C.
Other names: short protein forms E876Q.
Identifiers: ClinVar variation 1042713 (VCV001042713.8), dbSNP rs760860657, ClinGen allele CA7279785.